The following is an entry in ClinVar:

NM_000038.6(APC):c.8439A>C (p.Thr2813=)

Gene: APC (APC regulator of Wnt signaling pathway; plus strand). Cytogenetic location: 5q22.2.
Variant type: single nucleotide variant.
Coding change: c.8439A>C on transcript NM_000038.6 (MANE Select); coding-DNA position 8439, A replaced by C.
Protein change: p.Thr2813=; no amino-acid change (threonine 2813 retained).
Molecular consequence: synonymous variant.
Genome position (GRCh38, 1-based): chr5:112,844,033, A>C. VCF-style: chr5-112844033-A-C. GRCh37 (hg19) VCF-style: chr5-112179730-A-C.
Other names: c.8439A>C, p.Thr2813= (NM_001127510.3, NM_001354895.2); c.8385A>C, p.Thr2795= (NM_001127511.3); c.8493A>C, p.Thr2831= (NM_001354896.2); c.8469A>C, p.Thr2823= (NM_001354897.2); c.8364A>C, p.Thr2788= (NM_001354898.2); c.8355A>C, p.Thr2785= (NM_001354899.2); c.8316A>C, p.Thr2772= (NM_001354900.2); c.8262A>C, p.Thr2754= (NM_001354901.2); and 5 more.
Identifiers: ClinVar variation 219694 (VCV000219694.13), dbSNP rs864622211, ClinGen allele CA348202.

ClinVar aggregate classification (germline): Benign/Likely benign. Review status: criteria provided, multiple submitters, no conflicts (2 of 4 stars). 4 submissions from 4 submitters: Benign (1); Likely benign (3). Last evaluated 2024-04-15.

Conditions:
Hereditary cancer-predisposing syndrome. Also called: Hereditary neoplastic syndrome; Tumor predisposition; Hereditary Cancer Syndrome; Neoplastic Syndromes, Hereditary. Identifiers: Orphanet 140162, MedGen C0027672, MeSH D009386, MONDO:0015356.
Familial adenomatous polyposis 1 (FAP1). Also called: FAMILIAL ADENOMATOUS POLYPOSIS 1, ATTENUATED; POLYPOSIS, ADENOMATOUS INTESTINAL. Identifiers: MedGen C2713442, MONDO:0021056, OMIM 175100. Disease mechanism: loss of function.

Submissions (4):

Myriad Genetics, Inc.
Classification: Benign for Familial adenomatous polyposis 1. Last evaluated: 2024-04-15. Review status: criteria provided, single submitter. Criteria: Myriad Autosomal Dominant, Autosomal Recessive and X-Linked Classification Criteria (2023). Collection method: clinical testing. Allele origin: unknown.
Comment: This variant is considered benign. This variant is a silent/synonymous amino acid change and it is not expected to impact splicing.

Ambry Genetics
Classification: Likely benign for Hereditary cancer-predisposing syndrome. Last evaluated: 2023-04-22. Review status: criteria provided, single submitter. Criteria: Ambry Variant Classification Scheme 2023. Collection method: clinical testing. Allele origin: germline.

Labcorp Genetics (formerly Invitae), Labcorp
Classification: Likely benign for Familial adenomatous polyposis 1. Last evaluated: 2021-10-09. Review status: criteria provided, single submitter. Criteria: Invitae Variant Classification Sherloc (09022015). Collection method: clinical testing. Allele origin: germline.

Color Diagnostics, LLC DBA Color Health
Classification: Likely benign for Hereditary cancer-predisposing syndrome. Last evaluated: 2018-04-12. Review status: criteria provided, single submitter. Criteria: ACMG Guidelines, 2015. Collection method: clinical testing. Allele origin: germline.